The following is an entry in ClinVar:

ClinVar aggregate classification (germline): Uncertain significance. Review status: criteria provided, multiple submitters, no conflicts (2 of 4 stars). 3 submissions from 3 submitters: Uncertain significance (3). Last evaluated 2025-03-28.

Conditions:
Inborn genetic diseases. Identifiers: MedGen C0950123, MeSH D030342.

Allele frequency attached by ClinVar (database versions not stated): gnomAD exomes 0.00001.
gnomAD v4.1: 10 of 1,614,098 alleles (0.00062%); highest among the groups gnomAD compares: African/African-American, 0.0027%; no homozygotes.

Submissions (3):

Ambry Genetics
Classification: Uncertain significance for Inborn genetic diseases. Last evaluated: 2025-03-28. Review status: criteria provided, single submitter. Criteria: Ambry Variant Classification Scheme 2023. Collection method: clinical testing. Allele origin: germline.

Labcorp Genetics (formerly Invitae), Labcorp
Classification: Uncertain significance. Last evaluated: 2020-10-05. Review status: criteria provided, single submitter. Criteria: Invitae Variant Classification Sherloc (09022015). Collection method: clinical testing. Allele origin: germline.
Comment: In summary, the available evidence is currently insufficient to determine the role of this variant in disease. Therefore, it has been classified as a Variant of Uncertain Significance. Advanced modeling of protein sequence and biophysical properties (such as structural, functional, and spatial information, amino acid conservation, physicochemical variation, residue mobility, and thermodynamic stability) performed at Invitae indicates that this missense variant is not expected to disrupt COL11A2 protein function. This variant has not been reported in the literature in individuals with COL11A2-related conditions. This variant is not present in population databases (ExAC no frequency). This sequence change replaces alanine with glutamic acid at codon 216 of the COL11A2 protein (p.Ala216Glu). The alanine residue is highly conserved and there is a moderate physicochemical difference between alanine and glutamic acid.

GeneDx
Classification: Uncertain significance. Last evaluated: 2019-12-05. Review status: criteria provided, single submitter. Criteria: GeneDx Variant Classification Process June 2021. Collection method: clinical testing. Allele origin: germline. Affected: yes.
Comment: Has not been previously published as pathogenic or benign to our knowledge; Not observed in large population cohorts (Lek et al., 2016); In silico analysis, which includes protein predictors and evolutionary conservation, supports a deleterious effect

NM_080680.3(COL11A2):c.647C>A (p.Ala216Glu)

Gene: COL11A2 (collagen type XI alpha 2 chain; minus strand). Cytogenetic location: 6p21.32.
Variant type: single nucleotide variant.
Coding change: c.647C>A on transcript NM_080680.3 (MANE Select); coding-DNA position 647, C replaced by A.
Protein change: p.Ala216Glu; replaces alanine 216 with glutamic acid.
Molecular consequence: missense variant.
Genome position (GRCh38, 1-based): chr6:33,186,778, G>T on the plus strand (C>A on the coding strand, the complement: COL11A2 is on the minus strand). VCF-style: chr6-33186778-G-T. GRCh37 (hg19) VCF-style: chr6-33154555-G-T.
Other names: c.647C>A, p.Ala216Glu (NM_001163771.2, NM_080679.3, NM_080681.3); short protein forms A216E.
Identifiers: ClinVar variation 999405 (VCV000999405.14), dbSNP rs1772475565, ClinGen allele CA363610563.